The following is an entry in ClinVar:

NM_153710.5(STKLD1):c.657C>T (p.Ser219=)

Gene: STKLD1 (serine/threonine kinase like domain containing 1; plus strand). Cytogenetic location: 9q34.2.
Variant type: single nucleotide variant.
Coding change: c.657C>T on transcript NM_153710.5 (MANE Select); coding-DNA position 657, C replaced by T.
Protein change: p.Ser219=; no amino-acid change (serine 219 retained).
Molecular consequence: synonymous variant. On other transcripts: non-coding transcript variant (1).
Genome position (GRCh38, 1-based): chr9:133,394,364, C>T. VCF-style: chr9-133394364-C-T. GRCh37 (hg19) VCF-style: chr9-136259491-C-T.
Identifiers: ClinVar variation 4988346 (VCV004988346.1).

ClinVar aggregate classification (germline): Likely benign (1 of 4 stars; one submission).

Conditions:
STKLD1-related disorder. Also called: STKLD1-related condition.

gnomAD v4.1: 323 of 1,613,906 alleles (0.02%); highest among the groups gnomAD compares: South Asian, 0.33%; 8 homozygotes.

Submission:

PreventionGenetics, part of Exact Sciences
Classification: Likely benign for STKLD1-related condition. Last evaluated: 2025-02-19. Review status: criteria provided, single submitter. Criteria: ACMG Guidelines, 2015. Collection method: clinical testing. Allele origin: germline.
Comment: This variant is classified as likely benign based on ACMG/AMP sequence variant interpretation guidelines (Richards et al. 2015 PMID: 25741868, with internal and published modifications).